The following is an entry in ClinVar:

ClinVar aggregate classification (germline): Conflicting classifications of pathogenicity. Review status: criteria provided, conflicting classifications (1 of 4 stars). 3 submissions from 3 submitters: Pathogenic (1); Likely pathogenic (1); Uncertain significance (1). Last evaluated 2026-03-29.

Conditions:
Congenital factor V deficiency. Also called: Hereditary factor V deficiency disease; LABILE FACTOR DEFICIENCY; OWREN PARAHEMOPHILIA; PARAHEMOPHILIA. Identifiers: Orphanet 326, MedGen C0015499, MONDO:0009210, OMIM 227400.

Submissions (3):

Dasa
Classification: Likely pathogenic. Last evaluated: 2026-03-29. Review status: criteria provided, single submitter. Criteria: DASA Assertion Criteria. Collection method: clinical testing. Allele origin: germline.
Comment: NM_000130.5(F5):c.4876del (p.Ser1626Alafs*38) is a frameshift variant in F5 predicted to alter the reading frame and introduce a premature termination codon and is predicted to result in an absent or altered protein product. Loss of function is an established disease mechanism for F5-associated disorders. Also, this variant is rare in population databases. Based on the currently available evidence, this variant is classified as likely pathogenic.

Labcorp Genetics (formerly Invitae), Labcorp
Classification: Pathogenic for Congenital factor V deficiency. Last evaluated: 2025-09-03. Review status: criteria provided, single submitter. Criteria: Invitae Variant Classification Sherloc (09022015). Collection method: clinical testing. Allele origin: germline.
Comment: This sequence change creates a premature translational stop signal (p.Ser1626Alafs*38) in the F5 gene. It is expected to result in an absent or disrupted protein product. Loss-of-function variants in F5 are known to be pathogenic (PMID: 30924984). This variant is present in population databases (rs748030997, gnomAD 0.009%). This variant has not been reported in the literature in individuals affected with F5-related conditions. ClinVar contains an entry for this variant (Variation ID: 3710630). For these reasons, this variant has been classified as Pathogenic.

GeneDx
Classification: Uncertain significance. Last evaluated: 2025-08-14. Review status: criteria provided, single submitter. Criteria: GeneDx Variant Classification Process June 2021. Collection method: clinical testing. Allele origin: germline. Affected: yes.
Comment: Frameshift variant predicted to result in protein truncation or nonsense mediated decay in a gene for which loss of function is a known mechanism of disease; Has not been previously published as pathogenic or benign to our knowledge

Literature cited by the submitters: PubMed 30924984 (cited by Labcorp Genetics (formerly Invitae), Labcorp).

NM_000130.5(F5):c.4876del (p.Ser1626fs)

Gene: F5 (coagulation factor V; minus strand). Cytogenetic location: 1q24.2.
Variant type: Deletion.
Coding change: c.4876del on transcript NM_000130.5 (MANE Select); coding-DNA position 4876, one base deleted (A; older notation c.4876delA).
Protein change: p.Ser1626fs; shifts the reading frame from serine 1626.
Molecular consequence: frameshift variant.
Genome position (GRCh38, 1-based): chr1:169,536,601, T deleted on the plus strand (A on the coding strand, the reverse complement: F5 is on the minus strand). VCF-style (leftmost placement, unchanged base first): chr1-169536600-CT-C. GRCh37 (hg19) VCF-style: chr1-169505838-CT-C.
Other names: c.4876delA, p.Ser1626Alafs (NM_000130.4); c.4876del (NM_000130.4); short protein forms S1626fs.
Identifiers: ClinVar variation 3710630 (VCV003710630.4).